The following is an entry in ClinVar:

NM_001077653.2(TBX20):c.1268A>T (p.His423Leu)

Gene: TBX20 (T-box transcription factor 20; minus strand). Cytogenetic location: 7p14.2.
Variant type: single nucleotide variant.
Coding change: c.1268A>T on transcript NM_001077653.2 (MANE Select); coding-DNA position 1268, A replaced by T.
Protein change: p.His423Leu; replaces histidine 423 with leucine.
Molecular consequence: missense variant.
Genome position (GRCh38, 1-based): chr7:35,202,506, T>A on the plus strand (A>T on the coding strand, the complement: TBX20 is on the minus strand). VCF-style: chr7-35202506-T-A. GRCh37 (hg19) VCF-style: chr7-35242118-T-A.
Other names: short protein forms H423L.
Identifiers: ClinVar variation 3966267 (VCV003966267.1).

ClinVar aggregate classification (germline): Uncertain significance (1 of 4 stars; one submission).

Conditions:
Cardiovascular phenotype. Identifiers: MedGen CN230736.

gnomAD v4.1: 1 of 1,609,416 alleles (0.000062%); highest among the groups gnomAD compares: Admixed American, 0.0017%; no homozygotes.

Submission:

Ambry Genetics
Classification: Uncertain significance for Cardiovascular phenotype. Last evaluated: 2025-06-01. Review status: criteria provided, single submitter. Criteria: Ambry Variant Classification Scheme 2023. Collection method: clinical testing. Allele origin: germline.
Comment: The p.H423L variant (also known as c.1268A>T), located in coding exon 8 of the TBX20 gene, results from an A to T substitution at nucleotide position 1268. The histidine at codon 423 is replaced by leucine, an amino acid with similar properties. This amino acid position is conserved. In addition, the in silico prediction for this alteration is inconclusive. Based on the available evidence, the clinical significance of this variant remains unclear.